The following is an entry in ClinVar:

NM_033056.4(PCDH15):c.4644_4689dup (p.Arg1564delinsCysArgProIlePheThrGlnAsnThrSerGlnGluTer)

Gene: PCDH15 (protocadherin related 15; minus strand). Cytogenetic location: 10q21.1.
Variant type: Duplication.
Coding change: c.4644_4689dup on transcript NM_033056.4 (MANE Plus Clinical); coding-DNA positions 4644 to 4689, 46 bases duplicated.
Protein change: p.Arg1564delinsCysArgProIlePheThrGlnAsnThrSerGlnGluTer.
Molecular consequence: nonsense. On other transcripts: intron variant (8).
Genome position (GRCh38, 1-based): chr10:53,823,037-53,823,082, 46 bases duplicated. GRCh37 (hg19): chr10:55,582,797-55,582,842.
Other names: c.4575_4620dup, p.Arg1541delinsCysArgProIlePheThrGlnAsnThrSerGlnGluTer (NM_001142773.2); c.4578_4623dup, p.Arg1542delinsCysArgProIlePheThrGlnAsnThrSerGlnGluTer (NM_001354404.2); c.4367+4311_4367+4356dup (NM_001354420.2, NM_001354429.2); c.4368-2852_4368-2807dup (NM_001384140.1); c.4373+2054_4373+2099dup (NM_001142772.2, NM_001142770.3); c.4388+2054_4388+2099dup (NM_001142771.2); c.4388+4311_4388+4356dup (NM_001354411.2); c.4409+2054_4409+2099dup (NM_001142769.3); and 7 more.
Identifiers: ClinVar variation 847264 (VCV000847264.13), dbSNP rs751539473, ClinGen allele CA5505215.
Genomic context (GRCh38, chr10:53,823,036, plus strand): 5'-GCCTCCTGGGTAAGCTGACTGACTGACTCCACAGCCTCTGAATCTTTTCTCTTGGGCCCC[T>TCAGAGACTTACTCTTGGCTTGTATTTTGGGTGAAAATGGGTCTACA]CAGAGACTTACTCTTGGCTTGTATTTTGGGTGAAAATGGGTCTACAAAATCTGTTCTCTG-3'

ClinVar aggregate classification (germline): Conflicting classifications of pathogenicity. Review status: criteria provided, conflicting classifications (1 of 4 stars). 5 submissions from 5 submitters: Pathogenic (1); Likely pathogenic (1); Uncertain significance (3). Last evaluated 2026-09-18.

Conditions:
Usher syndrome type 1D (USH1D). Also called: USHER SYNDROME, TYPE ID. Identifiers: Orphanet 231169, Orphanet 886, MedGen C1832845, MONDO:0010984, OMIM 601067.
Usher syndrome type 1F (USH1F). Also called: USHER SYNDROME, TYPE IF. Identifiers: Orphanet 231169, Orphanet 886, MedGen C1865885, MONDO:0011186, OMIM 602083.
Autosomal recessive nonsyndromic hearing loss 23. Identifiers: Orphanet 90636, MedGen C1836027, MONDO:0012293, OMIM 609533.
PCDH15-related disorder. Also called: PCDH15-related disorders; PCDH15-related condition.

Allele frequency attached by ClinVar (database versions not stated): gnomAD exomes 0.00004 and 0.00002; ExAC 0.00004.

Submissions (5):

GeneDx
Classification: Uncertain significance. Last evaluated: 2026-09-18. Review status: criteria provided, single submitter. Criteria: GeneDx Variant Classification Process June 2021. Collection method: clinical testing. Allele origin: germline.
Comment: Frameshift variant predicted to result in abnormal protein length as the last 392 amino acids are replaced with 12 different amino acids, and other similar variants have been reported in HGMD; Has not been previously published as pathogenic or benign to our knowledge

PreventionGenetics, part of Exact Sciences
Classification: Uncertain significance for PCDH15-related condition. Last evaluated: 2026-04-23. Review status: criteria provided, single submitter. Criteria: ACMG Guidelines, 2015. Collection method: clinical testing. Allele origin: germline.
Comment: The PCDH15 c.4644_4689dup46 variant is predicted to result in an in-frame duplication (p.Leu1563_Arg1564insCysArgProIlePheThrGlnAsnThrSerGlnGlu*). To our knowledge, this variant has not been reported in the literature. This variant is reported in 0.0087% of alleles in individuals of Latino descent in gnomAD. This variant occurs in the last exon of the PCDH15 alternatively spliced transcript known as CD1 (NM_033056), but this exon is not required for proper inner ear hair cell function and maintenance of hearing and is not included in the biologically relevant transcript for hearing loss known as CD2 (NM_001142769; Webb et al. 2011. PubMed ID: 21427143; Pepermans et al. 2014. PubMed ID: 24940003). Furthermore, loss of function variants in this exon of CD1 have been shown to occur at population frequencies inconsistent with pathogenicity (Perreault-Micale et al. 2014. PubMed ID: 25307757). Although we suspect that this variant may be benign, at this time, the clinical significance of this variant is uncertain due to the absence of conclusive functional and genetic evidence.

Labcorp Genetics (formerly Invitae), Labcorp
Classification: Pathogenic. Last evaluated: 2026-01-05. Review status: criteria provided, single submitter. Criteria: Invitae Variant Classification Sherloc (09022015). Collection method: clinical testing. Allele origin: germline.
Comment: This sequence change creates a premature translational stop signal (p.Arg1564delinsCysArgProIlePheThrGlnAsnThrSerGlnGlu*) in the PCDH15 gene. While this is not anticipated to result in nonsense mediated decay, it is expected to disrupt the last 392 amino acid(s) of the PCDH15 protein. This variant is present in population databases (rs751539473, gnomAD 0.009%). This variant has not been reported in the literature in individuals affected with PCDH15-related conditions. ClinVar contains an entry for this variant (Variation ID: 847264). This variant disrupts a region of the PCDH15 protein in which other variant(s) (p.Gln1576*) have been determined to be pathogenic (PMID: 28281779). This suggests that this is a clinically significant region of the protein, and that variants that disrupt it are likely to be disease-causing. For these reasons, this variant has been classified as Pathogenic.

Fulgent Genetics
Classification: Likely pathogenic for Usher syndrome type 1D; Usher syndrome type 1F; Autosomal recessive nonsyndromic hearing loss 23. Last evaluated: 2024-04-12. Review status: criteria provided, single submitter. Criteria: ACMG Guidelines, 2015. Collection method: clinical testing. Allele origin: germline.

Blueprint Genetics
Classification: Uncertain significance. Last evaluated: 2022-07-19. Review status: criteria provided, single submitter. Criteria: ACMG Guidelines, 2015. Collection method: clinical testing. Allele origin: germline.

Literature cited by the submitters: PubMed 28281779 (cited by Labcorp Genetics (formerly Invitae), Labcorp).